The following is an entry in ClinVar:

ClinVar aggregate classification (germline): Uncertain significance (1 of 4 stars; one submission).

Submission:

GeneDx
Classification: Uncertain significance. Last evaluated: 2019-07-30. Review status: criteria provided, single submitter. Criteria: GeneDx Variant Classification Process June 2021. Collection method: clinical testing. Allele origin: germline. Affected: yes.
Comment: Not observed in large population cohorts (Lek et al., 2016); In silico analysis, which includes protein predictors and evolutionary conservation, supports a deleterious effect; Has not been previously published as pathogenic or benign to our knowledge

NM_001127222.2(CACNA1A):c.4975C>T (p.Leu1659Phe)

Gene: CACNA1A (calcium voltage-gated channel subunit alpha1 A; minus strand). Cytogenetic location: 19p13.13.
Variant type: single nucleotide variant.
Coding change: c.4975C>T on transcript NM_001127222.2 (MANE Select); coding-DNA position 4975, C replaced by T.
Protein change: p.Leu1659Phe; replaces leucine 1659 with phenylalanine.
Molecular consequence: missense variant.
Genome position (GRCh38, 1-based): chr19:13,235,706, G>A on the plus strand (C>T on the coding strand, the complement: CACNA1A is on the minus strand). VCF-style: chr19-13235706-G-A. GRCh37 (hg19) VCF-style: chr19-13346520-G-A.
Other names: c.4993C>T, p.Leu1665Phe (NM_000068.4, NM_023035.3); c.4978C>T, p.Leu1660Phe (NM_001127221.2); c.4984C>T, p.Leu1662Phe (NM_001174080.2); short protein forms L1659F, L1660F, L1662F, L1665F.
Identifiers: ClinVar variation 1304841 (VCV001304841.2), dbSNP rs2144649877, ClinGen allele CA404337034.